The following is an entry in ClinVar:

ClinVar aggregate classification (germline): Likely benign (1 of 4 stars; one submission).

Submission:

Mayo Clinic Laboratories, Mayo Clinic
Classification: Likely benign. Last evaluated: 2025-07-15. Review status: criteria provided, single submitter. Criteria: ACMG Guidelines, 2015. Collection method: clinical testing. Allele origin: germline. Observed: 1 variant allele.
Comment: BP4, BP7, PM2_supporting

NM_005689.4(ABCB6):c.594G>A (p.Gly198=)

Gene: ABCB6 (ATP binding cassette subfamily B member 6 (LAN blood group); minus strand). Cytogenetic location: 2q35.
Variant type: single nucleotide variant.
Coding change: c.594G>A on transcript NM_005689.4 (MANE Select); coding-DNA position 594, G replaced by A.
Protein change: p.Gly198=; no amino-acid change (glycine 198 retained).
Molecular consequence: synonymous variant. On other transcripts: intron variant (1).
Genome position (GRCh38, 1-based): chr2:219,217,763, C>T on the plus strand (G>A on the coding strand, the complement: ABCB6 is on the minus strand). VCF-style: chr2-219217763-C-T. GRCh37 (hg19) VCF-style: chr2-220082485-C-T.
Other names: p.Gly198=; c.549+362G>A (NM_001349828.2).
Identifiers: ClinVar variation 4684645 (VCV004684645.1).